The following is an entry in ClinVar:

NM_001267550.2(TTN):c.52142T>C (p.Ile17381Thr)

Genes: TTN (titin; minus strand), TTN-AS1 (TTN antisense RNA 1; plus strand). Cytogenetic location: 2q31.2.
Variant type: single nucleotide variant.
Coding change: c.52142T>C on transcript NM_001267550.2 (MANE Select); coding-DNA position 52142, T replaced by C.
Protein change: p.Ile17381Thr; replaces isoleucine 17381 with threonine.
Molecular consequence: missense variant.
Genome position (GRCh38, 1-based): chr2:178,608,869, A>G on the plus strand (T>C on the coding strand, the complement: TTN is on the minus strand). VCF-style: chr2-178608869-A-G. GRCh37 (hg19) VCF-style: chr2-179473596-A-G.
Other names: c.47219T>C, p.Ile15740Thr (NM_001256850.1); c.24947T>C, p.Ile8316Thr (NM_003319.4); c.44438T>C, p.Ile14813Thr (NM_133378.4); c.25322T>C, p.Ile8441Thr (NM_133432.3); c.25523T>C, p.Ile8508Thr (NM_133437.4); c.52142T>C (NM_001267550.1); short protein forms I14813T, I17381T, I8316T, I8441T, I8508T, I15740T.
Identifiers: ClinVar variation 332843 (VCV000332843.9), dbSNP rs775637498, ClinGen allele CA1994039.
Genomic context (GRCh38, chr2:178,608,869, plus strand): 5'-ATTTCACTGCCACCATCATCAAGGGGTGGTTCCCATTTACAAAGGACTGAGGTCTTTCTG[A>G]TATCTTCAAATACAAAGTTGATTGGTGGTCCCGGTGTATCTAATATTTCAGAAGAGAACA-3'
Protein context (NP_001254479.2, residues 17371-17391): GPPINFVFED[Ile17381Thr]RKTSVLCKWE

ClinVar aggregate classification (germline): Uncertain significance. Review status: criteria provided, multiple submitters, no conflicts (2 of 4 stars). 7 submissions from 3 submitters: Uncertain significance (7). Last evaluated 2024-09-03.

Conditions:
Tibial muscular dystrophy (TMD). Also called: Udd Distal Myopathy – Tibial Muscular Dystrophy; UDD MYOPATHY; Tibial muscular dystrophy, tardive. Identifiers: Orphanet 609, MedGen C1838244, MONDO:0010870, OMIM 600334.
Early-onset myopathy with fatal cardiomyopathy (CMYO5). Also called: CONGENITAL MYOPATHY 5 WITH CARDIOMYOPATHY; Salih Myopathy. Identifiers: Orphanet 289377, MedGen C2673677, MONDO:0012714, OMIM 611705. Disease mechanism: loss of function.
Autosomal recessive limb-girdle muscular dystrophy type 2J (LGMDR10). Also called: MUSCULAR DYSTROPHY, LIMB-GIRDLE, AUTOSOMAL RECESSIVE 10; Limb-girdle muscular dystrophy, type 2J. Identifiers: Orphanet 140922, MedGen C1837342, MONDO:0012127, OMIM 608807.
Dilated cardiomyopathy 1G (CMD1G). Identifiers: Orphanet 154, MedGen C1858763, MONDO:0011400, OMIM 604145.
Myopathy, myofibrillar, 9, with early respiratory failure (MFM9). Also called: Myopathy, distal, with early respiratory failure, autosomal dominant; Hereditary myopathy with early respiratory failure; EDSTROM MYOPATHY; MYOPATHY, PROXIMAL, WITH EARLY RESPIRATORY MUSCLE INVOLVEMENT. Identifiers: Orphanet 178464, Orphanet 34521, MedGen C1863599, MONDO:0011362, OMIM 603689.

Allele frequency attached by ClinVar (database versions not stated): ExAC 0.00001; gnomAD exomes 0.00001; gnomAD 0.00002; TOPMed 0.00004.
gnomAD v4.1: 12 of 1,611,236 alleles (0.00074%); highest among the groups gnomAD compares: African/African-American, 0.0013%; no homozygotes.

Submissions (7):

GeneDx
Classification: Uncertain significance. Last evaluated: 2024-09-03. Review status: criteria provided, single submitter. Criteria: GeneDx Variant Classification Process June 2021. Collection method: clinical testing. Allele origin: germline. Affected: yes.
Comment: Has not been previously published as pathogenic or benign to our knowledge; Not observed at significant frequency in large population cohorts (gnomAD); Missense variant in a gene in which most reported pathogenic variants are truncating/loss-of-function

Illumina Laboratory Services, Illumina
Classification: Uncertain significance for Early-onset myopathy with fatal cardiomyopathy. Last evaluated: 2018-01-13. Review status: criteria provided, single submitter. Criteria: ICSL Variant Classification Criteria 13 December 2019. Collection method: clinical testing. Allele origin: germline.

Illumina Laboratory Services, Illumina
Classification: Uncertain significance for Dilated cardiomyopathy 1G. Last evaluated: 2018-01-13. Review status: criteria provided, single submitter. Criteria: ICSL Variant Classification Criteria 13 December 2019. Collection method: clinical testing. Allele origin: germline.

Illumina Laboratory Services, Illumina
Classification: Uncertain significance for Tibial muscular dystrophy. Last evaluated: 2018-01-13. Review status: criteria provided, single submitter. Criteria: ICSL Variant Classification Criteria 13 December 2019. Collection method: clinical testing. Allele origin: germline.

Illumina Laboratory Services, Illumina
Classification: Uncertain significance for Myopathy, myofibrillar, 9, with early respiratory failure. Last evaluated: 2018-01-13. Review status: criteria provided, single submitter. Criteria: ICSL Variant Classification Criteria 13 December 2019. Collection method: clinical testing. Allele origin: germline.

Illumina Laboratory Services, Illumina
Classification: Uncertain significance for Autosomal recessive limb-girdle muscular dystrophy type 2J. Last evaluated: 2018-01-13. Review status: criteria provided, single submitter. Criteria: ICSL Variant Classification Criteria 13 December 2019. Collection method: clinical testing. Allele origin: germline.

Breakthrough Genomics
Classification: Uncertain significance. Review status: criteria provided, single submitter. Criteria: ACMG Guidelines, 2015. Collection method: not provided. Allele origin: germline. Inheritance: Autosomal recessive inheritance. Affected: yes.